The following is an entry in ClinVar:

ClinVar aggregate classification (germline): Benign/Likely benign. Review status: criteria provided, multiple submitters, no conflicts (2 of 4 stars). 5 submissions from 5 submitters: Benign (4); Likely benign (1). Last evaluated 2026-02-04.

Conditions:
Primary familial hypertrophic cardiomyopathy (HCM). Identifiers: Orphanet 99739, MedGen C0949658, MeSH D024741, MONDO:0024573. Inheritance: Various modes of inheritance.

Allele frequency attached by ClinVar (database versions not stated): gnomAD exomes 0.25658 and 0.26205; gnomAD 0.29435 and 0.29694; ExAC 0.26771; ESP Exome Variant Server 0.29498; TOPMed 0.29933; 1000 Genomes Project 30x 0.31184; 1000 Genomes Project 0.31470.
gnomAD v4.1: 420,212 of 1,613,042 alleles (26%); highest among the groups gnomAD compares: African/African-American, 38%; 56,066 homozygotes.

Submissions (5):

Labcorp Genetics (formerly Invitae), Labcorp
Classification: Benign for Primary familial hypertrophic cardiomyopathy. Last evaluated: 2026-02-04. Review status: criteria provided, single submitter. Criteria: Invitae Variant Classification Sherloc (09022015). Collection method: clinical testing. Allele origin: germline.

Ambry Genetics
Classification: Likely benign. Last evaluated: 2022-05-17. Review status: criteria provided, single submitter. Criteria: Ambry Variant Classification Scheme 2023. Collection method: clinical testing. Allele origin: germline.

Laboratory for Molecular Medicine, Mass General Brigham Personalized Medicine
Classification: Benign. Last evaluated: 2014-11-24. Review status: criteria provided, single submitter. Criteria: LMM Criteria. Collection method: clinical testing. Allele origin: germline. Observed: 246 variant alleles.
Comment: His99His in exon 4 of ILK: This variant is not expected to have clinical signifi cance because it does not alter an amino acid residue and is not located within the splice consensus sequence. It has been identified in 38.3% (1685/4402) of Af rican American chromosomes from a broad population by the NHLBI Exome Sequencing Project (dbSNP rs1043388).

GeneDx
Classification: Benign. Last evaluated: 2014-01-08. Review status: criteria provided, single submitter. Criteria: GeneDx Variant Classification (06012015). Collection method: clinical testing. Allele origin: germline. Affected: yes.
Comment: This variant is considered likely benign or benign based on one or more of the following criteria: it is a conservative change, it occurs at a poorly conserved position in the protein, it is predicted to be benign by multiple in silico algorithms, and/or has population frequency not consistent with disease.

Breakthrough Genomics
Classification: Benign. Review status: criteria provided, single submitter. Criteria: ACMG Guidelines, 2015. Collection method: not provided. Allele origin: germline. Inheritance: Unknown mechanism. Affected: yes.

NM_004517.4(ILK):c.297C>T (p.His99=)

Genes: TAF10 (TATA-box binding protein associated factor 10; minus strand), ILK (integrin linked kinase; plus strand). Cytogenetic location: 11p15.4.
Variant type: single nucleotide variant.
Coding change: c.297C>T on transcript NM_004517.4 (MANE Select); coding-DNA position 297, C replaced by T.
Protein change: p.His99=; no amino-acid change (histidine 99 retained).
Molecular consequence: synonymous variant. On other transcripts: 5 prime UTR variant (1), 3 prime UTR variant (1).
Genome position (GRCh38, 1-based): chr11:6,608,435, C>T. VCF-style: chr11-6608435-C-T. GRCh37 (hg19) VCF-style: chr11-6629665-C-T.
Other names: p.H99H:CAC>CAT; c.297C>T, p.His99= (NM_001014794.3, NM_001014795.3, NM_001278441.2); c.-106C>T (NM_001278442.2); c.*2487G>A (NM_006284.4).
Identifiers: ClinVar variation 137588 (VCV000137588.18), dbSNP rs1043388, ClinGen allele CA291248.